The following is an entry in ClinVar:

ClinVar aggregate classification (germline): Likely benign (1 of 4 stars; one submission).

Conditions:
Cardiomyopathy (CMYO). Also called: Cardiomyopathies. Identifiers: Orphanet 167848, MedGen C0878544, MONDO:0004994, HP:0001638. Inheritance: Various modes of inheritance.

Submission:

All of Us Research Program, National Institutes of Health
Classification: Likely benign for Cardiomyopathy. Last evaluated: 2024-02-22. Review status: criteria provided, single submitter. Criteria: ACMG Guidelines, 2015. Collection method: clinical testing. Allele origin: germline. Inheritance: Autosomal dominant inheritance. Observed: 1 variant allele, 1 heterozygote.
Comment: This study involves interpretation of variants in research participants for the purpose of population health screening. Participant phenotype was not available at the time of variant classification. Additional details can be found in publication PMID: 35346344, PMCID: PMC8962531

NM_000257.4(MYH7):c.5151T>C (p.His1717=)

Genes: MHRT (myosin heavy chain associated RNA transcript; plus strand), MYH7 (myosin heavy chain 7; minus strand), LOC126861897 (BRD4-independent group 4 enhancer GRCh37_chr14:23884455-23885654; plus strand). Cytogenetic location: 14q11.2.
Variant type: single nucleotide variant.
Coding change: c.5151T>C on transcript NM_000257.4 (MANE Select); coding-DNA position 5151, T replaced by C.
Protein change: p.His1717=; no amino-acid change (histidine 1717 retained).
Molecular consequence: synonymous variant. On other transcripts: non-coding transcript variant (1).
Genome position (GRCh38, 1-based): chr14:23,415,635, A>G on the plus strand (T>C on the coding strand, the complement: MYH7 is on the minus strand). VCF-style: chr14-23415635-A-G. GRCh37 (hg19) VCF-style: chr14-23884844-A-G.
Other names: c.5151T>C, p.His1717= (NM_001407004.1).
Identifiers: ClinVar variation 3387287 (VCV003387287.1).